The following is an entry in ClinVar:

ClinVar aggregate classification (germline): Likely pathogenic (1 of 4 stars; one submission).

Conditions:
Pyridoxine-dependent epilepsy (EPEO4). Also called: Pyridoxine-Dependent Seizures; PYRIDOXINE DEPENDENCY WITH SEIZURES; EPILEPSY, EARLY-ONSET, 4, VITAMIN B6-DEPENDENT; Pyridoxine-Dependent Epilepsy - ALDH7A1. Identifiers: Orphanet 3006, MedGen C1849508, MONDO:0009945, OMIM 266100. Disease mechanism: loss of function.

Submission:

Labcorp Genetics (formerly Invitae), Labcorp
Classification: Likely pathogenic for Pyridoxine-dependent epilepsy. Last evaluated: 2023-11-11. Review status: criteria provided, single submitter. Criteria: Invitae Variant Classification Sherloc (09022015). Collection method: clinical testing. Allele origin: germline.
Comment: This sequence change replaces glycine, which is neutral and non-polar, with alanine, which is neutral and non-polar, at codon 494 of the ALDH7A1 protein (p.Gly494Ala). This variant is not present in population databases (gnomAD no frequency). This variant has not been reported in the literature in individuals affected with ALDH7A1-related conditions. Advanced modeling of protein sequence and biophysical properties (such as structural, functional, and spatial information, amino acid conservation, physicochemical variation, residue mobility, and thermodynamic stability) performed at Invitae indicates that this missense variant is expected to disrupt ALDH7A1 protein function with a positive predictive value of 95%. This variant disrupts the p.Gly494 amino acid residue in ALDH7A1. Other variant(s) that disrupt this residue have been determined to be pathogenic (PMID: 19128417). This suggests that this residue is clinically significant, and that variants that disrupt this residue are likely to be disease-causing. In summary, the currently available evidence indicates that the variant is pathogenic, but additional data are needed to prove that conclusively. Therefore, this variant has been classified as Likely Pathogenic.

Literature cited by the submitters: PubMed 19128417.

NM_001182.5(ALDH7A1):c.1481G>C (p.Gly494Ala)

Gene: ALDH7A1 (aldehyde dehydrogenase 7 family member A1; minus strand). Cytogenetic location: 5q23.2.
Variant type: single nucleotide variant.
Coding change: c.1481G>C on transcript NM_001182.5 (MANE Select); coding-DNA position 1481, G replaced by C.
Protein change: p.Gly494Ala; replaces glycine 494 with alanine.
Molecular consequence: missense variant.
Genome position (GRCh38, 1-based): chr5:126,549,937, C>G on the plus strand (G>C on the coding strand, the complement: ALDH7A1 is on the minus strand). VCF-style: chr5-126549937-C-G. GRCh37 (hg19) VCF-style: chr5-125885629-C-G.
Other names: c.1397G>C, p.Gly466Ala (NM_001201377.2); c.1289G>C, p.Gly430Ala (NM_001202404.2); short protein forms G494A, G430A, G466A.
Identifiers: ClinVar variation 2695147 (VCV002695147.3), dbSNP rs763418390, ClinGen allele CA360720875.